The following is an entry in ClinVar:

NM_006329.4(FBLN5):c.740-52C>T

Gene: FBLN5 (fibulin 5; minus strand). Cytogenetic location: 14q32.12.
Variant type: single nucleotide variant.
Coding change: c.740-52C>T on transcript NM_006329.4 (MANE Select); 52 bases into the intron before coding-DNA position 740, C replaced by T.
Molecular consequence: intron variant.
Genome position (GRCh38, 1-based): chr14:91,883,128, G>A on the plus strand (C>T on the coding strand, the complement: FBLN5 is on the minus strand). VCF-style: chr14-91883128-G-A. GRCh37 (hg19) VCF-style: chr14-92349472-G-A.
Other names: c.740-52C>T (NM_001384160.1); c.863-52C>T (NM_001384158.1); c.572-52C>T (NM_001384162.1, NM_001384161.1); c.791-52C>T (NM_001384159.1).
Identifiers: ClinVar variation 678730 (VCV000678730.2), dbSNP rs75974376, ClinGen allele CA7312747.
Genomic context (GRCh38, chr14:91,883,128, plus strand): 5'-CGTCCATATCTGGGGTGACAAGTCACACCTGCTGTTTGTAATCCCAGTCTACATGGGGAT[G>A]GGAGCTTAGTGGCCATCTACTCCAACTCTCACACTGTCTTGATACATACAATGGCTTTAC-3'

ClinVar aggregate classification (germline): Likely benign. Review status: criteria provided, multiple submitters, no conflicts (2 of 4 stars). 2 submissions from 2 submitters: Likely benign (2). Last evaluated 2018-06-14.

Allele frequency attached by ClinVar (database versions not stated): 1000 Genomes Project 0.00280; 1000 Genomes Project 30x 0.00312; TOPMed 0.00592; gnomAD 0.00658 and 0.00686; ExAC 0.00680; gnomAD exomes 0.00689 and 0.00723; ESP Exome Variant Server 0.00784.
gnomAD v4.1: 11,478 of 1,607,284 alleles (0.71%); highest among the groups gnomAD compares: Non-Finnish European, 0.8%; 48 homozygotes.

Submissions (2):

GeneDx
Classification: Likely benign. Last evaluated: 2018-06-14. Review status: criteria provided, single submitter. Criteria: GeneDx Variant Classification (06012015). Collection method: clinical testing. Allele origin: germline. Affected: yes.
Comment: This variant is considered likely benign or benign based on one or more of the following criteria: it is a conservative change, it occurs at a poorly conserved position in the protein, it is predicted to be benign by multiple in silico algorithms, and/or has population frequency not consistent with disease.

Breakthrough Genomics
Classification: Likely benign. Review status: criteria provided, single submitter. Criteria: ACMG Guidelines, 2015. Collection method: not provided. Allele origin: germline. Inheritance: Autosomal recessive inheritance. Affected: yes.